The following is an entry in ClinVar:

NM_025099.6(CTC1):c.1459A>G (p.Arg487Gly)

Gene: CTC1 (CST telomere replication complex component 1; minus strand). Cytogenetic location: 17p13.1.
Variant type: single nucleotide variant.
Coding change: c.1459A>G on transcript NM_025099.6 (MANE Select); coding-DNA position 1459, A replaced by G.
Protein change: p.Arg487Gly; replaces arginine 487 with glycine.
Molecular consequence: missense variant. On other transcripts: non-coding transcript variant (1).
Genome position (GRCh38, 1-based): chr17:8,234,907, T>C on the plus strand (A>G on the coding strand, the complement: CTC1 is on the minus strand). VCF-style: chr17-8234907-T-C. GRCh37 (hg19) VCF-style: chr17-8138225-T-C.
Other names: short protein forms R487G.
Identifiers: ClinVar variation 392201 (VCV000392201.11), dbSNP rs747887601, ClinGen allele CA8372338.

ClinVar aggregate classification (germline): Conflicting classifications of pathogenicity. Review status: criteria provided, conflicting classifications (1 of 4 stars). 3 submissions from 3 submitters: Likely pathogenic (1); Uncertain significance (2). Last evaluated 2024-12-05.

Conditions:
Dyskeratosis congenita. Identifiers: Orphanet 1775, MedGen C0265965, MONDO:0015780.
Cerebroretinal microangiopathy with calcifications and cysts 1 (CRMCC1). Identifiers: Orphanet 313838, MedGen C4552029, MONDO:0024564, OMIM 612199.

Allele frequency attached by ClinVar (database versions not stated): ExAC below 0.00001; gnomAD 0.00001; TOPMed 0.00002.
gnomAD v4.1: 1 of 1,605,242 alleles (0.000062%); highest among the groups gnomAD compares: Non-Finnish European, 0.000085%; no homozygotes.

Submissions (3):

Labcorp Genetics (formerly Invitae), Labcorp
Classification: Uncertain significance for Dyskeratosis congenita. Last evaluated: 2024-12-05. Review status: criteria provided, single submitter. Criteria: Invitae Variant Classification Sherloc (09022015). Collection method: clinical testing. Allele origin: germline.
Comment: This sequence change replaces arginine, which is basic and polar, with glycine, which is neutral and non-polar, at codon 487 of the CTC1 protein (p.Arg487Gly). This variant is not present in population databases (gnomAD no frequency). This missense change has been observed in individual(s) with clinical features of CTC1-related conditions (PMID: 33528536). ClinVar contains an entry for this variant (Variation ID: 392201). Invitae Evidence Modeling of protein sequence and biophysical properties (such as structural, functional, and spatial information, amino acid conservation, physicochemical variation, residue mobility, and thermodynamic stability) indicates that this missense variant is expected to disrupt CTC1 protein function with a positive predictive value of 80%. In summary, the available evidence is currently insufficient to determine the role of this variant in disease. Therefore, it has been classified as a Variant of Uncertain Significance.

Genome-Nilou Lab
Classification: Uncertain significance for Cerebroretinal microangiopathy with calcifications and cysts 1. Last evaluated: 2021-07-15. Review status: criteria provided, single submitter. Criteria: ACMG Guidelines, 2015. Collection method: clinical testing. Allele origin: germline. Affected: no.

GeneDx
Classification: Likely pathogenic. Last evaluated: 2017-01-16. Review status: criteria provided, single submitter. Criteria: GeneDx Variant Classification (06012015). Collection method: clinical testing. Allele origin: germline. Affected: yes.
Comment: The R487G variant in the CTC1 gene has not been reported previously as a pathogenic variant, nor as a benign variant, to our knowledge. The R487G variant was not observed in approximately 6300 individuals of European and African American ancestry in the NHLBI Exome Sequencing Project, indicating it is not a common benign variant in these populations. The R487G variant is a non-conservative amino acid substitution, which is likely to impact secondary protein structure as these residues differ in polarity, charge, size and/or other properties. This substitution occurs at a position that is conserved in mammals. In silico analysis is inconsistent in its predictions as to whether or not the variant is damaging to the protein structure/function. The R487G variant is a strong candidate for a pathogenic variant.

Literature cited by the submitters: PubMed 33528536 (cited by Labcorp Genetics (formerly Invitae), Labcorp).